The following is an entry in ClinVar:

ClinVar aggregate classification (germline): Likely benign (1 of 4 stars; one submission).

gnomAD v4.1: 46 of 1,614,148 alleles (0.0028%); highest among the groups gnomAD compares: Middle Eastern, 0.35%; no homozygotes.

Submission:

CeGaT Center for Human Genetics Tuebingen
Classification: Likely benign. Last evaluated: 2025-01-01. Review status: criteria provided, single submitter. Criteria: CeGaT Center For Human Genetics Tuebingen Variant Classification Criteria Version 2. Collection method: clinical testing. Allele origin: germline. Affected: yes. Observed: 1 variant allele.
Comment: DNAH10: BP4, BP7

NM_001372106.1(DNAH10):c.2529G>A (p.Ala843=)

Gene: DNAH10 (dynein axonemal heavy chain 10; plus strand). Cytogenetic location: 12q24.31.
Variant type: single nucleotide variant.
Coding change: c.2529G>A on transcript NM_001372106.1 (MANE Select); coding-DNA position 2529, G replaced by A.
Protein change: p.Ala843=; no amino-acid change (alanine 843 retained).
Molecular consequence: synonymous variant.
Genome position (GRCh38, 1-based): chr12:123,801,347, G>A. VCF-style: chr12-123801347-G-A. GRCh37 (hg19) VCF-style: chr12-124285894-G-A.
Other names: c.2175G>A, p.Ala725= (NM_207437.3).
Identifiers: ClinVar variation 3771102 (VCV003771102.13).